The following is an entry in ClinVar:

ClinVar aggregate classification (germline): Conflicting classifications of pathogenicity. Review status: criteria provided, conflicting classifications (1 of 4 stars). 2 submissions from 2 submitters: Likely pathogenic (1); Uncertain significance (1). Last evaluated 2026-07-01.

Conditions:
Inborn genetic diseases. Identifiers: MedGen C0950123, MeSH D030342.

Submissions (2):

CeGaT Center for Human Genetics Tuebingen
Classification: Uncertain significance. Last evaluated: 2026-07-01. Review status: criteria provided, single submitter. Criteria: CeGaT Center For Human Genetics Tuebingen Variant Classification Criteria Version 2. Collection method: clinical testing. Allele origin: germline. Affected: yes. Observed: 1 variant allele.
Comment: CSNK2A1: PM2, PS2:Moderate, PP2

Ambry Genetics
Classification: Likely pathogenic for Inborn genetic diseases. Last evaluated: 2025-05-13. Review status: criteria provided, single submitter. Criteria: Ambry Variant Classification Scheme 2023. Collection method: clinical testing. Allele origin: germline.
Comment: The c.626A>G (p.Y209C) alteration is located in exon 10 (coding exon 8) of the CSNK2A1 gene. This alteration results from an A to G substitution at nucleotide position 626, causing the tyrosine (Y) at amino acid position 209 to be replaced by a cysteine (C). This variant was not reported in population-based cohorts in the Genome Aggregation Database (gnomAD). This amino acid position is highly conserved in available vertebrate species. This missense alteration is located in a region that has a low rate of benign missense variation (Lek, 2016; Firth, 2009). This alteration is predicted to be deleterious by in silico analysis. Based on the available evidence, this alteration is classified as likely pathogenic.

NM_177559.3(CSNK2A1):c.626A>G (p.Tyr209Cys)

Gene: CSNK2A1 (casein kinase 2 alpha 1; minus strand). Cytogenetic location: 20p13.
Variant type: single nucleotide variant.
Coding change: c.626A>G on transcript NM_177559.3 (MANE Select); coding-DNA position 626, A replaced by G.
Protein change: p.Tyr209Cys; replaces tyrosine 209 with cysteine.
Molecular consequence: missense variant.
Genome position (GRCh38, 1-based): chr20:489,877, T>C on the plus strand (A>G on the coding strand, the complement: CSNK2A1 is on the minus strand). VCF-style: chr20-489877-T-C. GRCh37 (hg19) VCF-style: chr20-470521-T-C.
Other names: c.626A>G, p.Tyr209Cys (NM_001362770.2, NM_001362771.2, NM_001895.4); c.218A>G, p.Tyr73Cys (NM_177560.3); short protein forms Y73C, Y209C.
Identifiers: ClinVar variation 4007616 (VCV004007616.2).